The following is an entry in ClinVar:

ClinVar aggregate classification (germline): Pathogenic. Review status: reviewed by expert panel (3 of 4 stars). 2 submissions from 2 submitters: Pathogenic (1). 1 of the submissions does not count toward it. Last evaluated 2017-12-15.

Conditions:
Hereditary cancer-predisposing syndrome. Also called: Tumor predisposition; Hereditary Cancer Syndrome; Hereditary neoplastic syndrome; Neoplastic Syndromes, Hereditary. Identifiers: Orphanet 140162, MedGen C0027672, MeSH D009386, MONDO:0015356.
Breast-ovarian cancer, familial, susceptibility to, 2 (BROVCA2). Also called: BRCA2 Hereditary Breast and Ovarian Cancer. Identifiers: Orphanet 145, MedGen C2675520, MONDO:0012933, OMIM 612555. Disease mechanism: loss of function.

Submissions (2):

Evidence-based Network for the Interpretation of Germline Mutant Alleles (ENIGMA)
Classification: Pathogenic for Breast-ovarian cancer, familial, susceptibility to, 2. Last evaluated: 2017-12-15. Review status: reviewed by expert panel. Criteria: ENIGMA BRCA1/2 Classification Criteria (2017-06-29). Collection method: curation. Allele origin: germline. Study: ENIGMA.
Comment: Variant allele predicted to encode a truncated non-functional protein.

Ambry Genetics
Classification: Pathogenic for Hereditary cancer-predisposing syndrome. Last evaluated: 2015-09-03. Review status: criteria provided, single submitter. Criteria: Ambry Variant Classification Scheme 2023. Collection method: clinical testing. Allele origin: germline. Not counted in ClinVar's aggregate classification.
Comment: The c.9233delT pathogenic mutation (also known as 9461delT), located in coding exon 23 of the BRCA2 gene, results from a deletion of one nucleotide at nucleotide position 9233, causing a translational frameshift with a predicted alternate stop codon. Since frameshifts are typically deleterious in nature, this alteration is interpreted as a disease-causing mutation (ACMG Recommendations for Standards for Interpretation and Reporting of Sequence Variations. Revision 2007. Genet Med. 2008;10:294).

NM_000059.4(BRCA2):c.9233del (p.Val3078fs)

Gene: BRCA2 (BRCA2 DNA repair associated; plus strand). Cytogenetic location: 13q13.1.
Variant type: Deletion.
Coding change: c.9233del on transcript NM_000059.4 (MANE Select); coding-DNA position 9233, one base deleted (T; older notation c.9233delT).
Protein change: p.Val3078fs; shifts the reading frame from valine 3078.
Molecular consequence: frameshift variant.
Genome position (GRCh38, 1-based): chr13:32,380,122, T deleted. VCF-style (leftmost placement, unchanged base first): chr13-32380121-GT-G. GRCh37 (hg19) VCF-style: chr13-32954258-GT-G.
Other names: c.9233delT (NM_000059.3); short protein forms V3078fs.
Identifiers: ClinVar variation 233724 (VCV000233724.5), dbSNP rs876660599, ClinGen allele CA10579820.
Genomic context (GRCh38, chr13:32,380,121, plus strand): 5'-AGCAAATTTTTAGATCCAGACTTTCAGCCATCTTGTTCTGAGGTGGACCTAATAGGATTT[GT>G]CGTTTCTGTTGTGAAAAAAACAGGTAATGCACAATATAGTTAATTTTTTTTATTGATTCT-3'